The following is an entry in ClinVar:

NM_001267550.2(TTN):c.51971T>C (p.Ile17324Thr)

Genes: TTN (titin; minus strand), TTN-AS1 (TTN antisense RNA 1; plus strand). Cytogenetic location: 2q31.2.
Variant type: single nucleotide variant.
Coding change: c.51971T>C on transcript NM_001267550.2 (MANE Select); coding-DNA position 51971, T replaced by C.
Protein change: p.Ile17324Thr; replaces isoleucine 17324 with threonine.
Molecular consequence: missense variant.
Genome position (GRCh38, 1-based): chr2:178,609,339, A>G on the plus strand (T>C on the coding strand, the complement: TTN is on the minus strand). VCF-style: chr2-178609339-A-G. GRCh37 (hg19) VCF-style: chr2-179474066-A-G.
Other names: c.47048T>C, p.Ile15683Thr (NM_001256850.1); c.24776T>C, p.Ile8259Thr (NM_003319.4); c.44267T>C, p.Ile14756Thr (NM_133378.4); c.25151T>C, p.Ile8384Thr (NM_133432.3); c.25352T>C, p.Ile8451Thr (NM_133437.4); short protein forms I14756T, I15683T, I17324T, I8259T, I8384T, I8451T.
Identifiers: ClinVar variation 3338762 (VCV003338762.1).

ClinVar aggregate classification (germline): Uncertain significance (1 of 4 stars; one submission).

gnomAD v4.1: 10 of 1,611,384 alleles (0.00062%); highest among the groups gnomAD compares: African/African-American, 0.004%; no homozygotes.

Submission:

GeneDx
Classification: Uncertain significance. Last evaluated: 2024-03-07. Review status: criteria provided, single submitter. Criteria: GeneDx Variant Classification Process June 2021. Collection method: clinical testing. Allele origin: germline. Affected: yes.
Comment: Not observed at significant frequency in large population cohorts (gnomAD); Missense variant in a gene in which most reported pathogenic variants are truncating/loss of function; Has not been previously published as pathogenic or benign to our knowledge